The following is an entry in ClinVar:

NM_198253.3(TERT):c.2079C>T (p.Phe693=)

Gene: TERT (telomerase reverse transcriptase; minus strand). Cytogenetic location: 5p15.33.
Variant type: single nucleotide variant.
Coding change: c.2079C>T on transcript NM_198253.3 (MANE Select); coding-DNA position 2079, C replaced by T.
Protein change: p.Phe693=; no amino-acid change (phenylalanine 693 retained).
Molecular consequence: synonymous variant. On other transcripts: non-coding transcript variant (2).
Genome position (GRCh38, 1-based): chr5:1,279,342, G>A on the plus strand (C>T on the coding strand, the complement: TERT is on the minus strand). VCF-style: chr5-1279342-G-A. GRCh37 (hg19) VCF-style: chr5-1279457-G-A.
Other names: c.2079C>T, p.Phe693= (NM_001193376.3).
Identifiers: ClinVar variation 471849 (VCV000471849.17), dbSNP rs371759577, ClinGen allele CA3184675.
Genomic context (GRCh38, chr5:1,279,342, plus strand): 5'-GGCACCCACCTTGACAAAGTACAGCTCAGGCGGCGGGTCCTGGGCCCGCACACGCAGCAC[G>A]AAGGTGCGCCAGGCCCTGTGGATATCGTCCAGGCCCAGCACAGAGGCGCCCAGGAGGCCG-3'
Protein context (NP_937983.2, residues 683-703): LDDIHRAWRT[Phe693=]VLRVRAQDPP

ClinVar aggregate classification (germline): Likely benign. Review status: criteria provided, multiple submitters, no conflicts (2 of 4 stars). 5 submissions from 5 submitters: Likely benign (4). 1 of the submissions does not count toward it. Last evaluated 2026-01-26.

Conditions:
TERT-related disorder. Also called: TERT-related condition; TERT-related disorders.
Pulmonary fibrosis and/or bone marrow failure, Telomere-related, 1. Also called: PULMONARY FIBROSIS AND/OR BONE MARROW FAILURE SYNDROME, TELOMERE-RELATED, 1. Identifiers: Orphanet 88, MedGen C3553617, MONDO:0013878, OMIM 614742.
Interstitial lung disease 2 (ILD2). Also called: Familial idiopathic pulmonary fibrosis; FIBROCYSTIC PULMONARY DYSPLASIA; FIBROSING ALVEOLITIS, CRYPTOGENIC. Identifiers: Orphanet 2032, Orphanet 79126, MedGen C5561926, MONDO:0800497, OMIM 178500, MONDO:0800029.
Aplastic anemia. Identifiers: Orphanet 182040, Orphanet 88, MedGen C0002874, MONDO:0015909, OMIM 609135, HP:0001915.
Acute myeloid leukemia (AML). Also called: Leukemia, acute myeloid, somatic; Leukemia, acute myelogenous, somatic; Acute myeloid leukemia, adult; AML adult; Acute non-lymphocytic leukemia; Acute granulocytic leukemia. Identifiers: Orphanet 519, MedGen C0023467, MeSH D015470, MONDO:0018874, OMIM 601626, HP:0004808. Disease mechanism: Constitutively activated FLT3.
Dyskeratosis congenita, autosomal dominant 2. Identifiers: MedGen C3151443, MONDO:0013521, OMIM 613989.
Melanoma, cutaneous malignant, susceptibility to, 9. Also called: Cutaneous malignant melanoma 9. Identifiers: Orphanet 618, MedGen C3554574, MONDO:0014056, OMIM 615134.
Dyskeratosis congenita, autosomal dominant 1 (DKCA1). Also called: Dyskeratosis congenita Scoggins type. Identifiers: Orphanet 1775, MedGen C4551974, MONDO:0007485, OMIM 127550. Inheritance: Variable.
Idiopathic Pulmonary Fibrosis. Also called: Idiopathic fibrosing alveolitis, chronic form; idiopathic fibrosing alveolitis. Identifiers: Orphanet 2032, MedGen C1800706, MeSH D054990, MONDO:0800504.
Dyskeratosis congenita. Identifiers: Orphanet 1775, MedGen C0265965, MONDO:0015780.

Allele frequency attached by ClinVar (database versions not stated): gnomAD exomes 0.00001 and 0.00002; ExAC 0.00004; TOPMed 0.00008; gnomAD 0.00011.
gnomAD v4.1: 30 of 1,584,410 alleles (0.0019%); highest among the groups gnomAD compares: African/African-American, 0.031%; no homozygotes.

Submissions (5):

Labcorp Genetics (formerly Invitae), Labcorp
Classification: Likely benign for Dyskeratosis congenita, autosomal dominant 2; Idiopathic Pulmonary Fibrosis. Last evaluated: 2026-01-26. Review status: criteria provided, single submitter. Criteria: Invitae Variant Classification Sherloc (09022015). Collection method: clinical testing. Allele origin: germline.

Blueprint Genetics
Classification: Likely benign. Last evaluated: 2024-05-22. Review status: criteria provided, single submitter. Criteria: ACMG Guidelines, 2015. Collection method: clinical testing. Allele origin: germline.

Fulgent Genetics
Classification: Likely benign for Dyskeratosis congenita, autosomal dominant 1; Interstitial lung disease 2; Acute myeloid leukemia; Aplastic anemia; Dyskeratosis congenita, autosomal dominant 2; Pulmonary fibrosis and/or bone marrow failure, Telomere-related, 1; Melanoma, cutaneous malignant, susceptibility to, 9. Last evaluated: 2022-05-13. Review status: criteria provided, single submitter. Criteria: ACMG Guidelines, 2015. Collection method: clinical testing. Allele origin: unknown.

Ambry Genetics
Classification: Likely benign for Dyskeratosis congenita. Last evaluated: 2022-03-16. Review status: criteria provided, single submitter. Criteria: Ambry Variant Classification Scheme 2023. Collection method: clinical testing. Allele origin: germline.

PreventionGenetics, part of Exact Sciences
Classification: Likely benign for TERT-related condition. Last evaluated: 2022-07-14. Review status: no assertion criteria provided. Collection method: clinical testing. Allele origin: germline. Not counted in ClinVar's aggregate classification.
Comment: This variant is classified as likely benign based on ACMG/AMP sequence variant interpretation guidelines (Richards et al. 2015 PMID: 25741868, with internal and published modifications).